The following is an entry in ClinVar:

NM_001232.4(CASQ2):c.175C>T (p.Pro59Ser)

Gene: CASQ2 (calsequestrin 2; minus strand). Cytogenetic location: 1p13.1.
Variant type: single nucleotide variant.
Coding change: c.175C>T on transcript NM_001232.4 (MANE Select); coding-DNA position 175, C replaced by T.
Protein change: p.Pro59Ser; replaces proline 59 with serine.
Molecular consequence: missense variant.
Genome position (GRCh38, 1-based): chr1:115,768,367, G>A on the plus strand (C>T on the coding strand, the complement: CASQ2 is on the minus strand). VCF-style: chr1-115768367-G-A. GRCh37 (hg19) VCF-style: chr1-116310988-G-A.
Other names: short protein forms P59S.
Identifiers: ClinVar variation 532348 (VCV000532348.9), dbSNP rs866858282, ClinGen allele CA29625145.

ClinVar aggregate classification (germline): Uncertain significance. Review status: criteria provided, multiple submitters, no conflicts (2 of 4 stars). 3 submissions from 3 submitters: Uncertain significance (3). Last evaluated 2023-04-11.

Conditions:
Catecholaminergic polymorphic ventricular tachycardia 2. Also called: CASQ2-Related Catecholaminergic Polymorphic Ventricular Tachycardia; VENTRICULAR TACHYCARDIA, STRESS-INDUCED POLYMORPHIC 2. Identifiers: Orphanet 3286, MedGen C2677794, MONDO:0012762, OMIM 611938.
Catecholaminergic polymorphic ventricular tachycardia 1. Also called: VENTRICULAR TACHYCARDIA, CATECHOLAMINERGIC POLYMORPHIC, 1, WITH OR WITHOUT ATRIAL DYSFUNCTION AND/OR DILATED CARDIOMYOPATHY; RYR2-Related Catecholaminergic Polymorphic Ventricular Tachycardia; VENTRICULAR TACHYCARDIA, STRESS-INDUCED POLYMORPHIC 1. Identifiers: Orphanet 3286, MedGen C1631597, MONDO:0011484, OMIM 604772.
Cardiovascular phenotype. Identifiers: MedGen CN230736.

Allele frequency attached by ClinVar (database versions not stated): gnomAD 0.00003.
gnomAD v4.1: 4 of 1,613,910 alleles (0.00025%); highest among the groups gnomAD compares: African/African-American, 0.0053%; no homozygotes.

Submissions (3):

Genome-Nilou Lab
Classification: Uncertain significance for Catecholaminergic polymorphic ventricular tachycardia 2. Last evaluated: 2023-04-11. Review status: criteria provided, single submitter. Criteria: ACMG Guidelines, 2015. Collection method: clinical testing. Allele origin: germline. Affected: no.

Ambry Genetics
Classification: Uncertain significance for Cardiovascular phenotype. Last evaluated: 2023-03-16. Review status: criteria provided, single submitter. Criteria: Ambry Variant Classification Scheme 2023. Collection method: clinical testing. Allele origin: germline.
Comment: The p.P59S variant (also known as c.175C>T), located in coding exon 1 of the CASQ2 gene, results from a C to T substitution at nucleotide position 175. The proline at codon 59 is replaced by serine, an amino acid with similar properties. This amino acid position is conserved. In addition, this alteration is predicted to be tolerated by in silico analysis. Since supporting evidence is limited at this time, the clinical significance of this alteration remains unclear.

Labcorp Genetics (formerly Invitae), Labcorp
Classification: Uncertain significance for Catecholaminergic polymorphic ventricular tachycardia 1. Last evaluated: 2021-09-02. Review status: criteria provided, single submitter. Criteria: Invitae Variant Classification Sherloc (09022015). Collection method: clinical testing. Allele origin: germline.
Comment: This sequence change replaces proline with serine at codon 59 of the CASQ2 protein (p.Pro59Ser). The proline residue is moderately conserved and there is a moderate physicochemical difference between proline and serine. This variant is not present in population databases (ExAC no frequency). This variant has not been reported in the literature in individuals affected with CASQ2-related conditions. Algorithms developed to predict the effect of missense changes on protein structure and function output the following: SIFT: "Tolerated"; PolyPhen-2: "Probably Damaging"; Align-GVGD: "Class C0". The serine amino acid residue is found in multiple mammalian species, which suggests that this missense change does not adversely affect protein function. In summary, the available evidence is currently insufficient to determine the role of this variant in disease. Therefore, it has been classified as a Variant of Uncertain Significance.